The following is an entry in ClinVar:

ClinVar aggregate classification (germline): Uncertain significance (1 of 4 stars; one submission).

Conditions:
CHARGE syndrome (CHARGE). Also called: Hittner Hirsch Kreh syndrome; CHARGE ASSOCIATION--COLOBOMA, HEART ANOMALY, CHOANAL ATRESIA, RETARDATION, GENITAL AND EAR ANOMALIES; Coloboma, heart anomaly, choanal atresia, retardation, genital and ear anomalies; CHARGE association; Hall-Hittner syndrome. Identifiers: Orphanet 138, MedGen C0265354, MONDO:0008965.

Allele frequency attached by ClinVar (database versions not stated): gnomAD exomes below 0.00001; ExAC 0.00003.
gnomAD v4.1: 2 of 1,573,990 alleles (0.00013%); highest among the groups gnomAD compares: South Asian, 0.0023%; no homozygotes.

Submission:

Victorian Clinical Genetics Services, Murdoch Childrens Research Institute
Classification: Uncertain significance for CHARGE syndrome. Last evaluated: 2020-05-21. Review status: criteria provided, single submitter. Criteria: ACMG Guidelines, 2015. Collection method: clinical testing. Allele origin: germline. Inheritance: Autosomal dominant inheritance.
Comment: Based on the classification scheme VCGS_Germline_v1.1.0, this variant is classified as VOUS – 3C. Following criteria are met: 0102 - Loss-of-function is a known mechanism of disease for this gene. (N) 0107 - This gene is known to be associated with autosomal dominant disease. (N) 0200 - Variant is predicted to result in a missense amino acid change from proline to serine (exon 6). (N) 0251 - Variant is heterozygous. (N) 0302 - Variant is present in gnomAD <0.001 for dominant condition (1 Heterozygote, 0 Homozygotes). (P) 0503 - Missense variant consistently predicted to be tolerated or not conserved in mammals with a minor amino acid change. (B) 0600 - Variant is located in an annotated domain or motif (PDB, NCBI). (N) 0705 - No comparable variants have previous evidence for pathogenicity. (N) 0807 - Variant has not previously been reported in a clinical context. (N) 0905 - No segregation evidence has been identified for this variant. (N) 1007 - No published functional evidence has been identified for this variant. (N) 1208 - Inheritance information for this variant is not currently available. (N) Legend: (P) - Pathogenic, (N) - Neutral, (B) - Benign

NM_017780.4(CHD7):c.2398C>T (p.Pro800Ser)

Gene: CHD7 (chromodomain helicase DNA binding protein 7; plus strand). Cytogenetic location: 8q12.2.
Variant type: single nucleotide variant.
Coding change: c.2398C>T on transcript NM_017780.4 (MANE Select); coding-DNA position 2398, C replaced by T.
Protein change: p.Pro800Ser; replaces proline 800 with serine.
Molecular consequence: missense variant. On other transcripts: intron variant (1).
Genome position (GRCh38, 1-based): chr8:60,801,549, C>T. VCF-style: chr8-60801549-C-T. GRCh37 (hg19) VCF-style: chr8-61714108-C-T.
Other names: c.1716+20499C>T (NM_001316690.1); short protein forms P800S.
Identifiers: ClinVar variation 1805581 (VCV001805581.1), dbSNP rs774034274, ClinGen allele CA4759703.